The following is an entry in ClinVar:

NM_001330260.2(SCN8A):c.4821G>A (p.Glu1607=)

Gene: SCN8A (sodium voltage-gated channel alpha subunit 8; plus strand). Cytogenetic location: 12q13.13.
Variant type: single nucleotide variant.
Coding change: c.4821G>A on transcript NM_001330260.2 (MANE Select); coding-DNA position 4821, G replaced by A.
Protein change: p.Glu1607=; no amino-acid change (glutamic acid 1607 retained).
Molecular consequence: synonymous variant.
Genome position (GRCh38, 1-based): chr12:51,806,307, G>A. VCF-style: chr12-51806307-G-A. GRCh37 (hg19) VCF-style: chr12-52200091-G-A.
Other names: c.4698G>A, p.Glu1566= (NM_001177984.3, NM_001369788.1); c.4821G>A, p.Glu1607= (NM_014191.4).
Identifiers: ClinVar variation 3778405 (VCV003778405.7).

ClinVar aggregate classification (germline): Likely benign (1 of 4 stars; one submission).

Submission:

CeGaT Center for Human Genetics Tuebingen
Classification: Likely benign. Last evaluated: 2025-03-01. Review status: criteria provided, single submitter. Criteria: CeGaT Center For Human Genetics Tuebingen Variant Classification Criteria Version 2. Collection method: clinical testing. Allele origin: germline. Affected: yes. Observed: 1 variant allele.
Comment: SCN8A: PM2:Supporting, BP4, BP7